The following is an entry in ClinVar:

ClinVar aggregate classification (germline): Uncertain significance. Review status: criteria provided, multiple submitters, no conflicts (2 of 4 stars). 2 submissions from 2 submitters: Uncertain significance (2). Last evaluated 2025-03-01.

Submissions (2):

CeGaT Center for Human Genetics Tuebingen
Classification: Uncertain significance. Last evaluated: 2025-03-01. Review status: criteria provided, single submitter. Criteria: CeGaT Center For Human Genetics Tuebingen Variant Classification Criteria Version 2. Collection method: clinical testing. Allele origin: germline. Affected: yes. Observed: 1 variant allele.
Comment: TTN: PM2, PVS1:Moderate

GeneDx
Classification: Uncertain significance. Last evaluated: 2021-06-27. Review status: criteria provided, single submitter. Criteria: GeneDx Variant Classification Process June 2021. Collection method: clinical testing. Allele origin: germline. Affected: yes.
Comment: Nonsense variant predicted to result in protein truncation or nonsense mediated decay in a gene for which loss-of-function is not a known mechanism of disease; Not observed at significant frequency in large population cohorts (Lek et al., 2016); Has not been previously published as pathogenic or benign to our knowledge; This variant is associated with the following publications: (PMID: 27535533)

NM_001267550.2(TTN):c.16169G>A (p.Trp5390Ter)

Gene: TTN (titin; minus strand). Cytogenetic location: 2q31.2.
Variant type: single nucleotide variant.
Coding change: c.16169G>A on transcript NM_001267550.2 (MANE Select); coding-DNA position 16169, G replaced by A.
Protein change: p.Trp5390Ter; replaces tryptophan 5390 with a stop codon.
Molecular consequence: nonsense. On other transcripts: intron variant (3).
Genome position (GRCh38, 1-based): chr2:178,733,007, C>T on the plus strand (G>A on the coding strand, the complement: TTN is on the minus strand). VCF-style: chr2-178733007-C-T. GRCh37 (hg19) VCF-style: chr2-179597734-C-T.
Other names: c.15218G>A, p.Trp5073Ter (NM_001256850.1); c.12437G>A, p.Trp4146Ter (NM_133378.4); c.13282+5075G>A (NM_003319.4); c.13858+5075G>A (NM_133437.4); c.13657+5075G>A (NM_133432.3); short protein forms W4146*, W5073*, W5390*.
Identifiers: ClinVar variation 1329608 (VCV001329608.9), dbSNP rs2154310836, ClinGen allele CA349587137.